The following is an entry in ClinVar:

ClinVar aggregate classification (germline): Uncertain significance (1 of 4 stars; one submission).

Conditions:
Familial adenomatous polyposis 2. Also called: FAP type 2; COLORECTAL ADENOMATOUS POLYPOSIS, AUTOSOMAL RECESSIVE; ADENOMAS, MULTIPLE COLORECTAL, AUTOSOMAL RECESSIVE; MYH-associated polyposis; MUTYH Polyposis; Adenomas, multiple colorectal. Identifiers: Orphanet 220460, Orphanet 247798, MedGen C3272841, MONDO:0012041, OMIM 608456.

Submission:

Labcorp Genetics (formerly Invitae), Labcorp
Classification: Uncertain significance for Familial adenomatous polyposis 2. Last evaluated: 2026-01-06. Review status: criteria provided, single submitter. Criteria: Invitae Variant Classification Sherloc (09022015). Collection method: clinical testing. Allele origin: germline.
Comment: This sequence change replaces glycine, which is neutral and non-polar, with arginine, which is basic and polar, at codon 189 of the MUTYH protein (p.Gly189Arg). This variant is not present in population databases (gnomAD no frequency). This missense change has been observed in individual(s) with MUTYH-associated polyposis and breast cancer (PMID: 34704405, 35534704). This variant is also known as c.481G>C . An algorithm developed to predict the effect of missense changes on protein structure and function (PolyPhen-2) suggests that this variant is likely to be disruptive. In summary, the available evidence is currently insufficient to determine the role of this variant in disease. Therefore, it has been classified as a Variant of Uncertain Significance.

Literature cited by the submitters: PubMed 34704405; PubMed 35534704.

NM_001048174.2(MUTYH):c.481G>C (p.Gly161Arg)

Gene: MUTYH (mutY DNA glycosylase; minus strand). Cytogenetic location: 1p34.1.
Variant type: single nucleotide variant.
Coding change: c.481G>C on transcript NM_001048174.2 (MANE Select); coding-DNA position 481, G replaced by C.
Protein change: p.Gly161Arg; replaces glycine 161 with arginine.
Molecular consequence: missense variant. On other transcripts: non-coding transcript variant (7).
Genome position (GRCh38, 1-based): chr1:45,332,774, C>G on the plus strand (G>C on the coding strand, the complement: MUTYH is on the minus strand). VCF-style: chr1-45332774-C-G. GRCh37 (hg19) VCF-style: chr1-45798446-C-G.
Other names: c.523G>C, p.Gly175Arg (NM_001407083.1, NM_001407085.1); c.484G>C, p.Gly162Arg (NM_001407086.1, NM_001048172.2, NM_001407071.1 and 1 more transcripts); c.502G>C, p.Gly168Arg (NM_001407087.1); c.481G>C, p.Gly161Arg (NM_001407088.1, NM_001407089.1, NM_001048171.2 and 6 more transcripts); c.205G>C, p.Gly69Arg (NM_001407091.1, NM_001293192.2, NM_001293196.2); c.556G>C, p.Gly186Arg (NM_012222.3); c.565G>C, p.Gly189Arg (NM_001128425.2); c.526G>C, p.Gly176Arg (NM_001293190.2); and 5 more; short protein forms G161R, G69R, G133R, G172R, G46R, G148R, G175R, G186R.
Identifiers: ClinVar variation 4710675 (VCV004710675.1).